The following is an entry in ClinVar:

ClinVar aggregate classification (germline): Likely benign. Review status: criteria provided, multiple submitters, no conflicts (2 of 4 stars). 5 submissions from 5 submitters: Likely benign (4). 1 of the submissions does not count toward it. Last evaluated 2026-02-01.

Conditions:
LRP2-related disorder. Also called: LRP2-related condition.

Allele frequency attached by ClinVar (database versions not stated): 1000 Genomes Project 0.00140; TOPMed 0.00215; gnomAD 0.00218 and 0.00199; gnomAD exomes 0.00047 and 0.00017; ExAC 0.00060; ESP Exome Variant Server 0.00261; 1000 Genomes Project 30x 0.00156.

Submissions (5):

Labcorp Genetics (formerly Invitae), Labcorp
Classification: Likely benign. Last evaluated: 2026-02-01. Review status: criteria provided, single submitter. Criteria: Invitae Variant Classification Sherloc (09022015). Collection method: clinical testing. Allele origin: germline.

Blueprint Genetics
Classification: Likely benign. Last evaluated: 2024-11-25. Review status: criteria provided, single submitter. Criteria: ACMG Guidelines, 2015. Collection method: clinical testing. Allele origin: germline.

GeneDx
Classification: Likely benign. Last evaluated: 2020-05-04. Review status: criteria provided, single submitter. Criteria: GeneDx Variant Classification Process June 2021. Collection method: clinical testing. Allele origin: germline. Affected: yes.
Comment: In silico analysis, which includes protein predictors and evolutionary conservation, supports that this variant does not alter protein structure/function; Has not been previously published as pathogenic or benign to our knowledge

Breakthrough Genomics
Classification: Likely benign. Review status: criteria provided, single submitter. Criteria: ACMG Guidelines, 2015. Collection method: not provided. Allele origin: germline. Inheritance: Autosomal recessive inheritance. Affected: yes.

PreventionGenetics, part of Exact Sciences
Classification: Likely benign for LRP2-related condition. Last evaluated: 2019-11-14. Review status: no assertion criteria provided. Collection method: clinical testing. Allele origin: germline. Not counted in ClinVar's aggregate classification.
Comment: This variant is classified as likely benign based on ACMG/AMP sequence variant interpretation guidelines (Richards et al. 2015 PMID: 25741868, with internal and published modifications).

NM_004525.3(LRP2):c.1502G>A (p.Arg501Gln)

Gene: LRP2 (LDL receptor related protein 2; minus strand). Cytogenetic location: 2q31.1.
Variant type: single nucleotide variant.
Coding change: c.1502G>A on transcript NM_004525.3 (MANE Select); coding-DNA position 1502, G replaced by A.
Protein change: p.Arg501Gln; replaces arginine 501 with glutamine.
Molecular consequence: missense variant.
Genome position (GRCh38, 1-based): chr2:169,279,435, C>T on the plus strand (G>A on the coding strand, the complement: LRP2 is on the minus strand). VCF-style: chr2-169279435-C-T. GRCh37 (hg19) VCF-style: chr2-170135945-C-T.
Other names: short protein forms R501Q.
Identifiers: ClinVar variation 740169 (VCV000740169.15), dbSNP rs138705366, ClinGen allele CA1955548.